The following is an entry in ClinVar:

ClinVar aggregate classification (germline): Conflicting classifications of pathogenicity. Review status: criteria provided, conflicting classifications (1 of 4 stars). 4 submissions from 4 submitters: Uncertain significance (2); Likely benign (1). 1 of the submissions does not count toward it. Last evaluated 2025-04-13.

Conditions:
Emery-Dreifuss muscular dystrophy 5, autosomal dominant (EDMD5). Also called: EMERY-DREIFUSS MUSCULAR DYSTROPHY 5. Identifiers: Orphanet 261, MedGen C2751805, MONDO:0013072, OMIM 612999.

Allele frequency attached by ClinVar (database versions not stated): TOPMed 0.00001; gnomAD 0.00004; 1000 Genomes Project 30x 0.00016; 1000 Genomes Project 0.00020; gnomAD exomes 0.00020; ExAC 0.00024.
gnomAD v4.1: 133 of 1,614,168 alleles (0.0082%); highest among the groups gnomAD compares: South Asian, 0.13%; 1 homozygote.

Submissions (4):

Labcorp Genetics (formerly Invitae), Labcorp
Classification: Likely benign for Emery-Dreifuss muscular dystrophy 5, autosomal dominant. Last evaluated: 2025-04-13. Review status: criteria provided, single submitter. Criteria: Invitae Variant Classification Sherloc (09022015). Collection method: clinical testing. Allele origin: germline.

Ambry Genetics
Classification: Uncertain significance. Last evaluated: 2023-02-15. Review status: criteria provided, single submitter. Criteria: Ambry Variant Classification Scheme 2023. Collection method: clinical testing. Allele origin: germline.

Revvity Omics, Revvity
Classification: Uncertain significance for Emery-Dreifuss muscular dystrophy 5, autosomal dominant. Last evaluated: 2019-02-22. Review status: criteria provided, single submitter. Criteria: ACMG Guidelines, 2015. Collection method: clinical testing. Allele origin: germline.

Department of Pathology and Laboratory Medicine, Sinai Health System
Classification: Benign. Review status: no assertion criteria provided. Collection method: clinical testing. Allele origin: unknown. Affected: yes. Study: The Canadian Open Genetics Repository (COGR). Not counted in ClinVar's aggregate classification.
Comment: The SYNE2 p.Arg5908His variant was not identified in the literature nor was it identified in ClinVar, Cosmic, or LOVD 3.0. The variant was identified in dbSNP (ID: rs538344879) and in control databases in 51 of 251408 chromosomes at a frequency of 0.000203, which is greater than the expected prevalence of autosomal dominant SYNE2-associated Emery-Dreifuss muscular dystrophy (Genome Aggregation Database March 6, 2019, v2.1.1). The variant was observed in the following populations: South Asian in 48 of 30616 chromosomes (freq: 0.001568) and European (non-Finnish) in 3 of 113696 chromosomes (freq: 0.000026), but was not observed in the African, Latino, Ashkenazi Jewish, East Asian, European (Finnish), and Other populations. The p.Arg5908 residue is conserved in mammals and computational analyses (PolyPhen-2, SIFT, AlignGVGD, BLOSUM, MutationTaster) provide inconsistent predictions regarding the impact to the protein; this information is not very predictive of pathogenicity. The variant occurs outside of the splicing consensus sequence and in silico or computational prediction software programs (SpliceSiteFinder, MaxEntScan, NNSPLICE, GeneSplicer) do not predict a difference in splicing. In summary, based on the above information this variant meets our laboratory's criteria to be classified as benign.

NM_182914.3(SYNE2):c.17723G>A (p.Arg5908His)

Gene: SYNE2 (spectrin repeat containing nuclear envelope protein 2; plus strand). Cytogenetic location: 14q23.2.
Variant type: single nucleotide variant.
Coding change: c.17723G>A on transcript NM_182914.3 (MANE Select); coding-DNA position 17723, G replaced by A.
Protein change: p.Arg5908His; replaces arginine 5908 with histidine.
Molecular consequence: missense variant.
Genome position (GRCh38, 1-based): chr14:64,188,560, G>A. VCF-style: chr14-64188560-G-A. GRCh37 (hg19) VCF-style: chr14-64655278-G-A.
Other names: c.17723G>A, p.Arg5908His (NM_015180.6); c.17723G>A (NM_182914.2); short protein forms R5908H.
Identifiers: ClinVar variation 1049337 (VCV001049337.13), dbSNP rs538344879, ClinGen allele CA7223816.
Genomic context (GRCh38, chr14:64,188,560, plus strand): 5'-TGCTTTCCTTCCTGGCTATACTCAGCTGCCAAATGTATTTTCATTTGCAGGTGGCCATAC[G>A]TAAACAGGAGATTGAAGACAGACTCAATACATGGGTTGTATTCAATGAAAAAAATAAAGA-3'
Protein context (NP_878918.2, residues 5898-5918): WEDLCLRVAI[Arg5908His]KQEIEDRLNT